The following is an entry in ClinVar:

ClinVar aggregate classification (germline): Uncertain significance (1 of 4 stars; one submission).

Conditions:
ABCB4-related disorder. Also called: ABCB4-related disorders; ABCB4-related condition.

gnomAD v4.1: 2 of 1,613,834 alleles (0.00012%); highest among the groups gnomAD compares: African/African-American, 0.0027%; no homozygotes.

Submission:

PreventionGenetics, part of Exact Sciences
Classification: Uncertain significance for ABCB4-related condition. Last evaluated: 2026-07-09. Review status: criteria provided, single submitter. Criteria: ACMG Guidelines, 2015. Collection method: clinical testing. Allele origin: germline.
Comment: The ABCB4 c.263C>A variant is predicted to result in the amino acid substitution p.Thr88Asn. To our knowledge, this variant has not been reported in the literature or in a large population database (gnomAD), indicating this variant is rare. At this time, the clinical significance of this variant is uncertain due to the absence of conclusive functional and genetic evidence.

NM_000443.4(ABCB4):c.263C>A (p.Thr88Asn)

Gene: ABCB4 (ATP binding cassette subfamily B member 4; minus strand). Cytogenetic location: 7q21.12.
Variant type: single nucleotide variant.
Coding change: c.263C>A on transcript NM_000443.4 (MANE Select); coding-DNA position 263, C replaced by A.
Protein change: p.Thr88Asn; replaces threonine 88 with asparagine.
Molecular consequence: missense variant.
Genome position (GRCh38, 1-based): chr7:87,462,781, G>T on the plus strand (C>A on the coding strand, the complement: ABCB4 is on the minus strand). VCF-style: chr7-87462781-G-T. GRCh37 (hg19) VCF-style: chr7-87092097-G-T.
Other names: c.263C>A, p.Thr88Asn (NM_018849.3, NM_018850.3); short protein forms T88N.
Identifiers: ClinVar variation 4987232 (VCV004987232.1).
Genomic context (GRCh38, chr7:87,462,781, plus strand): 5'-TGCTATGGATTTTTTTAAAAGGTAAAGAAATGCTTACCTGGAAAGGAGAAGTTTCCTGCA[G>T]TATCAACAAATTTGTCAGTCATCTCTCCAAATACTATCATCATGAGGGGGAGACCTGATC-3'
Protein context (NP_000434.1, residues 78-98): FGEMTDKFVD[Thr88Asn]AGNFSFPVNF